The following is an entry in ClinVar:

NM_002693.3(POLG):c.1712+7C>T

Gene: POLG (DNA polymerase gamma, catalytic subunit; minus strand). Cytogenetic location: 15q26.1.
Variant type: single nucleotide variant.
Coding change: c.1712+7C>T on transcript NM_002693.3 (MANE Select); 7 bases into the intron after coding-DNA position 1712, C replaced by T.
Molecular consequence: intron variant.
Genome position (GRCh38, 1-based): chr15:89,326,605, G>A on the plus strand (C>T on the coding strand, the complement: POLG is on the minus strand). VCF-style: chr15-89326605-G-A. GRCh37 (hg19) VCF-style: chr15-89869836-G-A.
Other names: p.?; c.1712+7C>T (NM_001126131.2).
Identifiers: ClinVar variation 4684028 (VCV004684028.1).

ClinVar aggregate classification (germline): Likely benign (1 of 4 stars; one submission).

Submission:

Mayo Clinic Laboratories, Mayo Clinic
Classification: Likely benign. Last evaluated: 2024-12-26. Review status: criteria provided, single submitter. Criteria: ACMG Guidelines, 2015. Collection method: clinical testing. Allele origin: germline. Observed: 1 variant allele.
Comment: BP4, BP7